The following is an entry in ClinVar:

NM_000051.4(ATM):c.6198G>C (p.Gln2066His)

Genes: ATM (ATM serine/threonine kinase; plus strand), C11orf65 (chromosome 11 open reading frame 65; minus strand). Cytogenetic location: 11q22.3.
Variant type: single nucleotide variant.
Coding change: c.6198G>C on transcript NM_000051.4 (MANE Select); coding-DNA position 6198, G replaced by C.
Protein change: p.Gln2066His; replaces glutamine 2066 with histidine.
Molecular consequence: missense variant. On other transcripts: intron variant (2).
Genome position (GRCh38, 1-based): chr11:108,316,113, G>C. VCF-style: chr11-108316113-G-C. GRCh37 (hg19) VCF-style: chr11-108186840-G-C.
Other names: c.6198G>C, p.Gln2066His (NM_001351834.2); c.641-7042C>G (NM_001330368.2); c.*39-7042C>G (NM_001351110.2); short protein forms Q2066H.
Identifiers: ClinVar variation 186941 (VCV000186941.19), dbSNP rs786203341, ClinGen allele CA196294.
Genomic context (GRCh38, chr11:108,316,113, plus strand): 5'-AGTAACATATGACCTCGAAACAGCAATCCCCTCATCAACACGCCAGGCAGGAATCATTCA[G>C]GTACATTTTTTCCCAGATTTGGTAAAGCCATCACTAGTGTAGTGCTGAGGTTATTTCAGT-3'
Protein context (NP_000042.3, residues 2056-2076): PSSTRQAGII[Gln2066His]ALQNLGLCHI

ClinVar aggregate classification (germline): Conflicting classifications of pathogenicity. Review status: criteria provided, conflicting classifications (1 of 4 stars). 4 submissions from 4 submitters: Pathogenic (1); Uncertain significance (3). Last evaluated 2025-09-24.

Conditions:
Hereditary cancer-predisposing syndrome. Also called: Hereditary Cancer Syndrome; Tumor predisposition; Neoplastic Syndromes, Hereditary; Hereditary neoplastic syndrome. Identifiers: Orphanet 140162, MedGen C0027672, MeSH D009386, MONDO:0015356.
Ataxia-telangiectasia syndrome (AT). Also called: ATAXIA-TELANGIECTASIA, COMPLEMENTATION GROUP A; ATAXIA-TELANGIECTASIA, FRESNO VARIANT; Ataxia-telangiectasia; Ataxia-telangiectasia, complementation group E; Cerebello-oculocutaneous telangiectasia; Immunodeficiency with ataxia telangiectasia. Identifiers: Orphanet 100, MedGen C0004135, MONDO:0008840, OMIM 208900.

Submissions (4):

Ambry Genetics
Classification: Pathogenic for Hereditary cancer-predisposing syndrome. Last evaluated: 2025-09-24. Review status: criteria provided, single submitter. Criteria: Ambry Variant Classification Scheme 2023. Collection method: clinical testing. Allele origin: germline.
Comment: The c.6198G>C pathogenic mutation (also known as p.Q2066H), located in coding exon 41 of the ATM gene, results from a G to C substitution at nucleotide position 6198. The amino acid change results in glutamine to histidine at codon 2066, an amino acid with highly similar properties. However, this change occurs in the last base pair of coding exon 41, which makes it likely to have some effect on normal mRNA splicing. This nucleotide position is highly conserved in available vertebrate species. In silico splice site analysis predicts that this alteration will weaken the native splice donor site. RNA studies have demonstrated that this alteration results in abnormal splicing in the set of samples tested (Ambry internal data). Based on the supporting evidence, this variant is interpreted as a disease-causing mutation.

Color Diagnostics, LLC DBA Color Health
Classification: Uncertain significance for Hereditary cancer-predisposing syndrome. Last evaluated: 2023-02-09. Review status: criteria provided, single submitter. Criteria: ACMG Guidelines, 2015. Collection method: clinical testing. Allele origin: germline.
Comment: This variant alters the conserved c.G at the last nucleotide of exon 40 of the ATM gene and replaces glutamine with histidine at codon 2066 of the ATM protein. Splice site prediction tools predict that this variant may have a significant impact on RNA splicing. This variant has been reported to impact RNA splicing by an external laboratory, however, detailed data are not available for review (ClinVar SCV000217413.6). Computational prediction suggests that this variant may not impact protein structure and function (internally defined REVEL score threshold <= 0.5, PMID: 27666373). To our knowledge, functional studies have not been reported for this variant. This variant has not been reported in individuals affected with ATM-related disorders in the literature. This variant has not been identified in the general population by the Genome Aggregation Database (gnomAD). The available evidence is insufficient to determine the role of this variant in disease conclusively. Therefore, this variant is classified as a Variant of Uncertain Significance.

Labcorp Genetics (formerly Invitae), Labcorp
Classification: Uncertain significance for Ataxia-telangiectasia syndrome. Last evaluated: 2022-10-13. Review status: criteria provided, single submitter. Criteria: Invitae Variant Classification Sherloc (09022015). Collection method: clinical testing. Allele origin: germline.
Comment: In summary, the available evidence is currently insufficient to determine the role of this variant in disease. Therefore, it has been classified as a Variant of Uncertain Significance. Variants that disrupt the consensus splice site are a relatively common cause of aberrant splicing (PMID: 17576681, 9536098). Algorithms developed to predict the effect of sequence changes on RNA splicing suggest that this variant may disrupt the consensus splice site. Algorithms developed to predict the effect of missense changes on protein structure and function are either unavailable or do not agree on the potential impact of this missense change (SIFT: "Deleterious"; PolyPhen-2: "Benign"; Align-GVGD: "Class C0"). ClinVar contains an entry for this variant (Variation ID: 186941). This variant has not been reported in the literature in individuals affected with ATM-related conditions. This variant is not present in population databases (gnomAD no frequency). This sequence change replaces glutamine, which is neutral and polar, with histidine, which is basic and polar, at codon 2066 of the ATM protein (p.Gln2066His). This variant also falls at the last nucleotide of exon 42, which is part of the consensus splice site for this exon.

GeneDx
Classification: Uncertain significance. Last evaluated: 2016-01-18. Review status: criteria provided, single submitter. Criteria: GeneDx Variant Classification (06012015). Collection method: clinical testing. Allele origin: germline. Affected: yes.
Comment: This variant is denoted ATM c.6198G>C at the cDNA level, p.Gln2066His (Q2066H) at the protein level, and results in the change of a Glutamine to a Histidine (CAG>CAC). This variant has not, to our knowledge, been published in the literature as pathogenic or benign. ATM Gln2066His was not observed in approximately 6,500 individuals of European and African American ancestry in the NHLBI Exome Sequencing Project, suggesting it is not a common benign variant in these populations. Since Glutamine and Histidine differ in some properties, this is considered a semi-conservative amino acid substitution. ATM Gln2066His occurs at a position that is not conserved and is located in the FAT domain (Stracker 2013, Uniprot). While protein-based in silico analyses are inconsistent regarding the effect this variant may have on protein structure and function, multiple splicing models predict that this variant may damage the nearby natural splice donor site and lead to abnormal splicing. However, in the absence of RNA or functional studies, the actual effect of this variant is unknown. Based on currently available evidence, it is unclear whether ATM Gln2066His is a pathogenic or benign variant. We consider it to be a variant of uncertain significance.

Literature cited by the submitters: PubMed 30549301 (cited by Ambry Genetics); PubMed 17576681 (cited by Labcorp Genetics (formerly Invitae), Labcorp); PubMed 9536098 (cited by Labcorp Genetics (formerly Invitae), Labcorp).